The following is an entry in ClinVar:

ClinVar aggregate classification (germline): Uncertain significance (1 of 4 stars; one submission).

Conditions:
Dilated cardiomyopathy 1D. Identifiers: Orphanet 154, Orphanet 54260, MedGen C1832243, MONDO:0011095, OMIM 601494.
Cardiomyopathy, familial restrictive, 3. Identifiers: Orphanet 75249, MedGen C2676271, MONDO:0012900, OMIM 612422.
Hypertrophic cardiomyopathy 2. Also called: TNNT2-Related Familial Hypertrophic Cardiomyopathy. Identifiers: MedGen C1861864, MONDO:0007266, OMIM 115195.

Submission:

Labcorp Genetics (formerly Invitae), Labcorp
Classification: Uncertain significance for Cardiomyopathy, familial restrictive, 3; Hypertrophic cardiomyopathy 2; Dilated cardiomyopathy 1D. Last evaluated: 2021-10-13. Review status: criteria provided, single submitter. Criteria: Invitae Variant Classification Sherloc (09022015). Collection method: clinical testing. Allele origin: germline.
Comment: In summary, the available evidence is currently insufficient to determine the role of this variant in disease. Therefore, it has been classified as a Variant of Uncertain Significance. Algorithms developed to predict the effect of missense changes on protein structure and function are either unavailable or do not agree on the potential impact of this missense change (SIFT: "Tolerated"; PolyPhen-2: "Probably Damaging"; Align-GVGD: "Class C0"). This variant has not been reported in the literature in individuals affected with TNNT2-related conditions. This variant is not present in population databases (ExAC no frequency). This sequence change replaces methionine with isoleucine at codon 71 of the TNNT2 protein (p.Met71Ile). The methionine residue is highly conserved and there is a small physicochemical difference between methionine and isoleucine.

NM_001276345.2(TNNT2):c.243G>A (p.Met81Ile)

Gene: TNNT2 (troponin T2, cardiac type; minus strand). Cytogenetic location: 1q32.1.
Variant type: single nucleotide variant.
Coding change: c.243G>A on transcript NM_001276345.2 (MANE Select); coding-DNA position 243, G replaced by A.
Protein change: p.Met81Ile; replaces methionine 81 with isoleucine.
Molecular consequence: missense variant.
Genome position (GRCh38, 1-based): chr1:201,365,661, C>T on the plus strand (G>A on the coding strand, the complement: TNNT2 is on the minus strand). VCF-style: chr1-201365661-C-T. GRCh37 (hg19) VCF-style: chr1-201334789-C-T.
Other names: c.243G>A, p.Met81Ile (NM_000364.4); c.213G>A, p.Met71Ile (NM_001001430.3, NM_001001431.3, NM_001276347.2); c.198G>A, p.Met66Ile (NM_001001432.3); c.240G>A, p.Met80Ile (NM_001276346.2); short protein forms M71I, M80I, M66I, M81I.
Identifiers: ClinVar variation 1350458 (VCV001350458.6), dbSNP rs2102265521, ClinGen allele CA088533.